The following is an entry in ClinVar:

NM_000488.4(SERPINC1):c.41+2T>C

Gene: SERPINC1 (serpin family C member 1; minus strand). Cytogenetic location: 1q25.1.
Variant type: single nucleotide variant.
Coding change: c.41+2T>C on transcript NM_000488.4 (MANE Select); the canonical splice donor site of the intron after coding-DNA position 41, T replaced by C.
Molecular consequence: splice donor variant. On other transcripts: intron variant (1).
Genome position (GRCh38, 1-based): chr1:173,917,217, A>G on the plus strand (T>C on the coding strand, the complement: SERPINC1 is on the minus strand). VCF-style: chr1-173917217-A-G. GRCh37 (hg19) VCF-style: chr1-173886355-A-G.
Other names: c.24+19T>C (NM_001386303.1); c.41+2T>C (NM_001386306.1, NM_001386304.1, NM_001386305.1 and 1 more transcripts); c.-273+2T>C (NM_001365052.2).
Identifiers: ClinVar variation 2633231 (VCV002633231.1), dbSNP rs199469508, ClinGen allele CA32783319.

ClinVar aggregate classification (germline): Pathogenic (1 of 4 stars; one submission).

Conditions:
SERPINC1-related disorder. Also called: SERPINC1-related condition.

Submission:

PreventionGenetics, part of Exact Sciences
Classification: Pathogenic for SERPINC1-related condition. Last evaluated: 2023-05-05. Review status: criteria provided, single submitter. Criteria: ACMG Guidelines, 2015. Collection method: clinical testing. Allele origin: germline.
Comment: The SERPINC1 c.41+2T>C variant is predicted to disrupt the GT donor site and interfere with normal splicing. This variant was reported in the heterozygous state in an individual with antithrombin deficiency confirmed by enzymatic testing (Zeng et al. 2015. PubMed ID: 25298121). This variant has not been reported in a large population database, indicating this variant is rare. Variants that disrupt the consensus splice donor site in SERPINC1 are expected to be pathogenic. This variant is interpreted as pathogenic.